The following is an entry in ClinVar:

ClinVar aggregate classification (germline): Likely benign (1 of 4 stars; one submission).

Submission:

CeGaT Center for Human Genetics Tuebingen
Classification: Likely benign. Last evaluated: 2026-03-01. Review status: criteria provided, single submitter. Criteria: CeGaT Center For Human Genetics Tuebingen Variant Classification Criteria Version 2. Collection method: clinical testing. Allele origin: germline. Affected: yes. Observed: 1 variant allele.
Comment: CIC: PM2:Supporting, BP4, BP7

NM_001386298.1(CIC):c.2193G>C (p.Gly731=)

Gene: CIC (capicua transcriptional repressor; plus strand). Cytogenetic location: 19q13.2.
Variant type: single nucleotide variant.
Coding change: c.2193G>C on transcript NM_001386298.1 (MANE Select); coding-DNA position 2193, G replaced by C.
Protein change: p.Gly731=; no amino-acid change (glycine 731 retained).
Molecular consequence: synonymous variant.
Genome position (GRCh38, 1-based): chr19:42,273,976, G>C. VCF-style: chr19-42273976-G-C. GRCh37 (hg19) VCF-style: chr19-42778128-G-C.
Other names: c.2193G>C, p.Gly731= (NM_001304815.2, NM_001379480.1, NM_001379482.1 and 6 more transcripts).
Identifiers: ClinVar variation 4823682 (VCV004823682.4).